The following is an entry in ClinVar:

NM_006231.4(POLE):c.1368C>T (p.Ala456=)

Gene: POLE (DNA polymerase epsilon, catalytic subunit; minus strand). Cytogenetic location: 12q24.33.
Variant type: single nucleotide variant.
Coding change: c.1368C>T on transcript NM_006231.4 (MANE Select); coding-DNA position 1368, C replaced by T.
Protein change: p.Ala456=; no amino-acid change (alanine 456 retained).
Molecular consequence: synonymous variant.
Genome position (GRCh38, 1-based): chr12:132,673,269, G>A on the plus strand (C>T on the coding strand, the complement: POLE is on the minus strand). VCF-style: chr12-132673269-G-A. GRCh37 (hg19) VCF-style: chr12-133249855-G-A.
Identifiers: ClinVar variation 3904139 (VCV003904139.1).
Genomic context (GRCh38, chr12:132,673,269, plus strand): 5'-TGGGTGGACGTACTTCATGTACAGGTAGTAAGTGGCGACAGCATCTGACACAGAATACGT[G>A]GCCAGAGTCTGAGGAGAGAACGCCAGAGAGCAGGGCCATCAAAAATCAAGAGCCCAGGGT-3'
Protein context (NP_006222.2, residues 446-466): RMATEQPQTL[Ala456=]TYSVSDAVAT

ClinVar aggregate classification (germline): Benign (1 of 4 stars; one submission).

Conditions:
Colorectal cancer, susceptibility to, 12 (CRCS12). Also called: COLORECTAL CANCER, SUSCEPTIBILITY TO, ON CHROMOSOME 12q24. Identifiers: Orphanet 220460, MedGen C3554460, MONDO:0014038, OMIM 615083.

Submission:

Myriad Genetics, Inc.
Classification: Benign for Colorectal cancer, susceptibility to, 12. Last evaluated: 2025-02-11. Review status: criteria provided, single submitter. Criteria: Myriad Autosomal Dominant, Autosomal Recessive and X-Linked Classification Criteria (2023). Collection method: clinical testing. Allele origin: unknown.
Comment: This variant is considered benign. This variant is a silent/synonymous amino acid change and it is not expected to impact splicing.